The following is an entry in ClinVar:

NM_000264.5(PTCH1):c.3070C>G (p.Leu1024Val)

Gene: PTCH1 (patched 1; minus strand). Cytogenetic location: 9q22.32.
Variant type: single nucleotide variant.
Coding change: c.3070C>G on transcript NM_000264.5 (MANE Select); coding-DNA position 3070, C replaced by G.
Protein change: p.Leu1024Val; replaces leucine 1024 with valine.
Molecular consequence: missense variant. On other transcripts: non-coding transcript variant (1).
Genome position (GRCh38, 1-based): chr9:95,458,111, G>C on the plus strand (C>G on the coding strand, the complement: PTCH1 is on the minus strand). VCF-style: chr9-95458111-G-C. GRCh37 (hg19) VCF-style: chr9-98220393-G-C.
Other names: c.2872C>G, p.Leu958Val (NM_001083602.3); c.3067C>G, p.Leu1023Val (NM_001083603.3); c.2617C>G, p.Leu873Val (NM_001083604.3, NM_001083605.3, NM_001083606.3 and 1 more transcripts); c.2914C>G, p.Leu972Val (NM_001354918.2); short protein forms L958V, L972V, L1023V, L873V, L1024V.
Identifiers: ClinVar variation 855362 (VCV000855362.14), dbSNP rs759405378, ClinGen allele CA5138257.

ClinVar aggregate classification (germline): Conflicting classifications of pathogenicity. Review status: criteria provided, conflicting classifications (1 of 4 stars). 3 submissions from 3 submitters: Uncertain significance (2); Likely benign (1). Last evaluated 2024-08-27.

Conditions:
Hereditary cancer-predisposing syndrome. Also called: Hereditary neoplastic syndrome; Tumor predisposition; Neoplastic Syndromes, Hereditary; Hereditary Cancer Syndrome. Identifiers: Orphanet 140162, MedGen C0027672, MeSH D009386, MONDO:0015356.
Gorlin syndrome. Also called: Nevoid Basal Cell Carcinoma Syndrome; Basal cell nevus syndrome. Identifiers: Orphanet 377, MedGen C0004779, MONDO:0007187.
Basal cell carcinoma, susceptibility to, 1. Also called: BCC1. Identifiers: MedGen C2751544, MONDO:0011556, OMIM 605462.
Basal cell nevus syndrome 1 (BCNS1). Also called: GORLIN-GOLTZ SYNDROME; MULTIPLE BASAL CELL NEVI, ODONTOGENIC KERATOCYSTS, AND SKELETAL ANOMALIES. Identifiers: MedGen CN376810, MONDO:0958174, OMIM 109400.
Holoprosencephaly 7 (HPE7). Identifiers: Orphanet 2162, MedGen C1835820, MONDO:0012562, OMIM 610828.

Allele frequency attached by ClinVar (database versions not stated): gnomAD exomes below 0.00001 and 0.00001; ExAC 0.00002.
gnomAD v4.1: 2 of 1,614,236 alleles (0.00012%); highest among the groups gnomAD compares: Non-Finnish European, 0.00017%; no homozygotes.

Submissions (3):

Ambry Genetics
Classification: Uncertain significance for Hereditary cancer-predisposing syndrome. Last evaluated: 2024-08-27. Review status: criteria provided, single submitter. Criteria: Ambry Variant Classification Scheme 2023. Collection method: clinical testing. Allele origin: germline.
Comment: The p.L1024V variant (also known as c.3070C>G), located in coding exon 18 of the PTCH1 gene, results from a C to G substitution at nucleotide position 3070. The leucine at codon 1024 is replaced by valine, an amino acid with highly similar properties. This amino acid position is highly conserved in available vertebrate species. In addition, this alteration is predicted to be deleterious by in silico analysis. Based on the available evidence, the clinical significance of this variant remains unclear.

Labcorp Genetics (formerly Invitae), Labcorp
Classification: Likely benign for Gorlin syndrome. Last evaluated: 2023-08-27. Review status: criteria provided, single submitter. Criteria: Invitae Variant Classification Sherloc (09022015). Collection method: clinical testing. Allele origin: germline.

Department of Pathology and Laboratory Medicine, Sinai Health System
Classification: Uncertain significance for Basal cell nevus syndrome 1; Basal cell carcinoma, susceptibility to, 1; Holoprosencephaly 7. Last evaluated: 2021-09-27. Review status: criteria provided, single submitter. Criteria: ACMG Guidelines, 2015. Collection method: research. Allele origin: germline.